The following is an entry in ClinVar:

NM_001292063.2(OTOG):c.4192G>A (p.Glu1398Lys)

Gene: OTOG (otogelin; plus strand). Cytogenetic location: 11p15.1.
Variant type: single nucleotide variant.
Coding change: c.4192G>A on transcript NM_001292063.2 (MANE Select); coding-DNA position 4192, G replaced by A.
Protein change: p.Glu1398Lys; replaces glutamic acid 1398 with lysine.
Molecular consequence: missense variant.
Genome position (GRCh38, 1-based): chr11:17,608,331, G>A. VCF-style: chr11-17608331-G-A. GRCh37 (hg19) VCF-style: chr11-17629878-G-A.
Other names: c.4228G>A, p.Glu1410Lys (NM_001277269.2); short protein forms E1398K, E1410K.
Identifiers: ClinVar variation 3375923 (VCV003375923.2).

ClinVar aggregate classification (germline): Uncertain significance (1 of 4 stars; one submission).

gnomAD v4.1: 23 of 1,546,230 alleles (0.0015%); highest among the groups gnomAD compares: East Asian, 0.032%; no homozygotes.

Submission:

GeneDx
Classification: Uncertain significance. Last evaluated: 2025-02-06. Review status: criteria provided, single submitter. Criteria: GeneDx Variant Classification Process June 2021. Collection method: clinical testing. Allele origin: germline.
Comment: In silico analysis supports that this missense variant has a deleterious effect on protein structure/function; Identified in a patient with hearing loss in published literature (PMID: 36597107); This variant is associated with the following publications: (PMID: 36597107)